The following is an entry in ClinVar:

NM_001003800.2(BICD2):c.1931C>A (p.Ala644Asp)

Gene: BICD2 (BICD cargo adaptor 2; minus strand). Cytogenetic location: 9q22.31.
Variant type: single nucleotide variant.
Coding change: c.1931C>A on transcript NM_001003800.2 (MANE Select); coding-DNA position 1931, C replaced by A.
Protein change: p.Ala644Asp; replaces alanine 644 with aspartic acid.
Molecular consequence: missense variant.
Genome position (GRCh38, 1-based): chr9:92,718,714, G>T on the plus strand (C>A on the coding strand, the complement: BICD2 is on the minus strand). VCF-style: chr9-92718714-G-T. GRCh37 (hg19) VCF-style: chr9-95480996-G-T.
Other names: c.1931C>A, p.Ala644Asp (NM_015250.4); short protein forms A644D.
Identifiers: ClinVar variation 560962 (VCV000560962.2), dbSNP rs1564059605, ClinGen allele CA374034841.

ClinVar aggregate classification (germline): Uncertain significance (1 of 4 stars; one submission).

Conditions:
Autosomal dominant childhood-onset proximal spinal muscular atrophy with contractures (SMALED2A). Also called: Spinal muscular atrophy, lower extremity-predominant, 2A, autosomal dominant; SPINAL MUSCULAR ATROPHY, LOWER EXTREMITY-PREDOMINANT, 2A, CHILDHOOD ONSET, AUTOSOMAL DOMINANT. Identifiers: Orphanet 363447, Orphanet 363454, MedGen C4747715, MONDO:0014121, OMIM 615290.

Submission:

Baylor Genetics
Classification: Uncertain significance for Autosomal dominant childhood-onset proximal spinal muscular atrophy with contractures. Last evaluated: 2017-09-01. Review status: criteria provided, single submitter. Criteria: ACMG Guidelines, 2015. Collection method: clinical testing. Allele origin: de novo. Inheritance: Autosomal dominant inheritance. Affected: yes.

Literature cited by the submitters: PubMed 25326635.